The following is an entry in ClinVar:

NM_145868.2(ANXA11):c.923G>A (p.Arg308Gln)

Gene: ANXA11 (annexin A11; minus strand). Cytogenetic location: 10q22.3.
Variant type: single nucleotide variant.
Coding change: c.923G>A on transcript NM_145868.2 (MANE Select); coding-DNA position 923, G replaced by A.
Protein change: p.Arg308Gln; replaces arginine 308 with glutamine.
Molecular consequence: missense variant.
Genome position (GRCh38, 1-based): chr10:80,164,079, C>T on the plus strand (G>A on the coding strand, the complement: ANXA11 is on the minus strand). VCF-style: chr10-80164079-C-T. GRCh37 (hg19) VCF-style: chr10-81923835-C-T.
Other names: c.923G>A, p.Arg308Gln (NM_001157.3, NM_001278407.2, NM_001278408.2 and 1 more transcripts); c.824G>A, p.Arg275Gln (NM_001278409.2); short protein forms R275Q, R308Q.
Identifiers: ClinVar variation 4754356 (VCV004754356.1).

ClinVar aggregate classification (germline): Uncertain significance (1 of 4 stars; one submission).

gnomAD v4.1: 14 of 1,613,994 alleles (0.00087%); highest among the groups gnomAD compares: Admixed American, 0.0083%; no homozygotes.

Submission:

Labcorp Genetics (formerly Invitae), Labcorp
Classification: Uncertain significance. Last evaluated: 2025-08-12. Review status: criteria provided, single submitter. Criteria: Invitae Variant Classification Sherloc (09022015). Collection method: clinical testing. Allele origin: germline.
Comment: This sequence change replaces arginine, which is basic and polar, with glutamine, which is neutral and polar, at codon 308 of the ANXA11 protein (p.Arg308Gln). This variant is present in population databases (rs535327650, gnomAD 0.009%). This variant has not been reported in the literature in individuals affected with ANXA11-related conditions. An algorithm developed to predict the effect of missense changes on protein structure and function outputs the following: PolyPhen-2: "Benign". The glutamine amino acid residue is found in multiple mammalian species, which suggests that this missense change does not adversely affect protein function. In summary, the available evidence is currently insufficient to determine the role of this variant in disease. Therefore, it has been classified as a Variant of Uncertain Significance.